The following is an entry in ClinVar:

NM_001457.4(FLNB):c.1601T>G (p.Ile534Ser)

Gene: FLNB (filamin B; plus strand). Cytogenetic location: 3p14.3.
Variant type: single nucleotide variant.
Coding change: c.1601T>G on transcript NM_001457.4 (MANE Select); coding-DNA position 1601, T replaced by G.
Protein change: p.Ile534Ser; replaces isoleucine 534 with serine.
Molecular consequence: missense variant.
Genome position (GRCh38, 1-based): chr3:58,104,076, T>G. VCF-style: chr3-58104076-T-G. GRCh37 (hg19) VCF-style: chr3-58089803-T-G.
Other names: c.1601T>G, p.Ile534Ser (NM_001164317.2, NM_001164318.2, NM_001164319.2); short protein forms I534S.
Identifiers: ClinVar variation 3609128 (VCV003609128.2).

ClinVar aggregate classification (germline): Uncertain significance (1 of 4 stars; one submission).

gnomAD v4.1: 1 of 1,613,840 alleles (0.000062%); highest among the groups gnomAD compares: Non-Finnish European, 0.000085%; no homozygotes.

Submission:

Labcorp Genetics (formerly Invitae), Labcorp
Classification: Uncertain significance. Last evaluated: 2024-12-24. Review status: criteria provided, single submitter. Criteria: Invitae Variant Classification Sherloc (09022015). Collection method: clinical testing. Allele origin: germline.
Comment: This sequence change replaces isoleucine, which is neutral and non-polar, with serine, which is neutral and polar, at codon 534 of the FLNB protein (p.Ile534Ser). This variant is not present in population databases (gnomAD no frequency). This missense change has been observed in individual(s) with short stature (PMID: 30753492). Invitae Evidence Modeling of protein sequence and biophysical properties (such as structural, functional, and spatial information, amino acid conservation, physicochemical variation, residue mobility, and thermodynamic stability) has been performed for this missense variant. However, the output from this modeling did not meet the statistical confidence thresholds required to predict the impact of this variant on FLNB protein function. In summary, the available evidence is currently insufficient to determine the role of this variant in disease. Therefore, it has been classified as a Variant of Uncertain Significance.

Literature cited by the submitters: PubMed 30753492.